The following is an entry in ClinVar:

NM_005633.4(SOS1):c.720+25C>G

Gene: SOS1 (SOS Ras/Rac guanine nucleotide exchange factor 1; minus strand). Cytogenetic location: 2p22.1.
Variant type: single nucleotide variant.
Coding change: c.720+25C>G on transcript NM_005633.4 (MANE Select); 25 bases into the intron after coding-DNA position 720, C replaced by G.
Molecular consequence: intron variant.
Genome position (GRCh38, 1-based): chr2:39,054,589, G>C on the plus strand (C>G on the coding strand, the complement: SOS1 is on the minus strand). VCF-style: chr2-39054589-G-C. GRCh37 (hg19) VCF-style: chr2-39281730-G-C.
Other names: c.699+25C>G (NM_001382394.1); c.720+25C>G (NM_001382395.1).
Identifiers: ClinVar variation 180179 (VCV000180179.16), dbSNP rs997344, ClinGen allele CA273722.

ClinVar aggregate classification (germline): Benign. Review status: criteria provided, multiple submitters, no conflicts (2 of 4 stars). 5 submissions from 5 submitters: Benign (5). Last evaluated 2021-07-15.

Conditions:
Noonan syndrome (NS). Also called: Noonan's syndrome. Identifiers: Orphanet 648, MedGen C0028326, MeSH D009634, MONDO:0018997. Disease mechanism: gain of function.
Noonan syndrome 4 (NS4). Also called: NOONAN SYNDROME WITH PIGMENTED VILLONODULAR SYNOVITIS; SOS1-Related Noonan Syndrome. Identifiers: Orphanet 648, MedGen C1853120, MONDO:0012547, OMIM 610733.

Allele frequency attached by ClinVar (database versions not stated): 1000 Genomes Project 0.89137; 1000 Genomes Project 30x 0.89428; ExAC 0.90141; gnomAD exomes 0.90218 and 0.91141; gnomAD 0.92897 and 0.92405; ESP Exome Variant Server 0.93735; TOPMed 0.92728.
gnomAD v4.1: 1,161,430 of 1,272,808 alleles (91%); highest among the groups gnomAD compares: African/African-American, 97%; 530,808 homozygotes.

Submissions (5):

Genome-Nilou Lab
Classification: Benign for Noonan syndrome 4. Last evaluated: 2021-07-15. Review status: criteria provided, single submitter. Criteria: ACMG Guidelines, 2015. Collection method: clinical testing. Allele origin: germline. Affected: no.

ARUP Laboratories, Molecular Genetics and Genomics, ARUP Laboratories
Classification: Benign for Noonan syndrome. Last evaluated: 2019-03-03. Review status: criteria provided, single submitter. Criteria: ARUP Molecular Germline Variant Investigation Process. Collection method: clinical testing. Allele origin: germline.

GeneDx
Classification: Benign. Last evaluated: 2018-06-23. Review status: criteria provided, single submitter. Criteria: GeneDx Variant Classification Process June 2021. Collection method: clinical testing. Allele origin: germline. Affected: yes.

Breakthrough Genomics
Classification: Benign. Review status: criteria provided, single submitter. Criteria: ACMG Guidelines, 2015. Collection method: not provided. Allele origin: germline. Inheritance: Autosomal dominant inheritance. Affected: yes.

PreventionGenetics, part of Exact Sciences
Classification: Benign. Review status: criteria provided, single submitter. Criteria: ACMG Guidelines, 2015. Collection method: clinical testing. Allele origin: germline.